The following is an entry in ClinVar:

NM_015141.4(GPD1L):c.625G>A (p.Val209Ile)

Gene: GPD1L (glycerol-3-phosphate dehydrogenase 1 like; plus strand). Cytogenetic location: 3p22.3.
Variant type: single nucleotide variant.
Coding change: c.625G>A on transcript NM_015141.4 (MANE Select); coding-DNA position 625, G replaced by A.
Protein change: p.Val209Ile; replaces valine 209 with isoleucine.
Molecular consequence: missense variant.
Genome position (GRCh38, 1-based): chr3:32,158,882, G>A. VCF-style: chr3-32158882-G-A. GRCh37 (hg19) VCF-style: chr3-32200374-G-A.
Other names: short protein forms V209I.
Identifiers: ClinVar variation 1905154 (VCV001905154.7), dbSNP rs1261937304, ClinGen allele CA351968866.

ClinVar aggregate classification (germline): Uncertain significance. Review status: criteria provided, multiple submitters, no conflicts (2 of 4 stars). 2 submissions from 2 submitters: Uncertain significance (2). Last evaluated 2023-12-12.

Conditions:
Cardiovascular phenotype. Identifiers: MedGen CN230736.
Brugada syndrome. Also called: Sudden unexpected nocturnal death syndrome; Sudden Unexplained Death Syndrome; Sudden Unexplained Nocturnal Death Syndrome (SUNDS); Sudden unexplained nocturnal death syndrome. Identifiers: Orphanet 130, MedGen C1142166, MONDO:0015263.

Allele frequency attached by ClinVar (database versions not stated): gnomAD 0.00001; gnomAD exomes 0.00001.
gnomAD v4.1: 15 of 1,613,838 alleles (0.00093%); highest among the groups gnomAD compares: East Asian, 0.0022%; no homozygotes.

Submissions (2):

Ambry Genetics
Classification: Uncertain significance for Cardiovascular phenotype. Last evaluated: 2023-12-12. Review status: criteria provided, single submitter. Criteria: Ambry Variant Classification Scheme 2023. Collection method: clinical testing. Allele origin: germline.
Comment: The p.V209I variant (also known as c.625G>A), located in coding exon 6 of the GPD1L gene, results from a G to A substitution at nucleotide position 625. The valine at codon 209 is replaced by isoleucine, an amino acid with highly similar properties. This amino acid position is conserved. In addition, this alteration is predicted to be tolerated by in silico analysis. Since supporting evidence is limited at this time, the clinical significance of this alteration remains unclear.

Labcorp Genetics (formerly Invitae), Labcorp
Classification: Uncertain significance for Brugada syndrome. Last evaluated: 2023-01-27. Review status: criteria provided, single submitter. Criteria: Invitae Variant Classification Sherloc (09022015). Collection method: clinical testing. Allele origin: germline.
Comment: This variant is present in population databases (no rsID available, gnomAD 0.002%). This sequence change replaces valine, which is neutral and non-polar, with isoleucine, which is neutral and non-polar, at codon 209 of the GPD1L protein (p.Val209Ile). This variant has not been reported in the literature in individuals affected with GPD1L-related conditions. Advanced modeling of protein sequence and biophysical properties (such as structural, functional, and spatial information, amino acid conservation, physicochemical variation, residue mobility, and thermodynamic stability) performed at Invitae indicates that this missense variant is not expected to disrupt GPD1L protein function. In summary, the available evidence is currently insufficient to determine the role of this variant in disease. Therefore, it has been classified as a Variant of Uncertain Significance.